The following is an entry in ClinVar:

NM_001374353.1(GLI2):c.356A>C (p.His119Pro)

Gene: GLI2 (GLI family zinc finger 2; plus strand). Cytogenetic location: 2q14.2.
Variant type: single nucleotide variant.
Coding change: c.356A>C on transcript NM_001374353.1 (MANE Select); coding-DNA position 356, A replaced by C.
Protein change: p.His119Pro; replaces histidine 119 with proline.
Molecular consequence: missense variant. On other transcripts: 5 prime UTR variant (1).
Genome position (GRCh38, 1-based): chr2:120,951,344, A>C. VCF-style: chr2-120951344-A-C. GRCh37 (hg19) VCF-style: chr2-121708920-A-C.
Other names: c.356A>C, p.His119Pro (NM_001371271.1, NM_005270.5); c.-20A>C (NM_001374354.1); short protein forms H119P.
Identifiers: ClinVar variation 4690042 (VCV004690042.1).

ClinVar aggregate classification (germline): Uncertain significance (1 of 4 stars; one submission).

Submission:

GeneDx
Classification: Uncertain significance. Last evaluated: 2025-07-31. Review status: criteria provided, single submitter. Criteria: GeneDx Variant Classification Process June 2021. Collection method: clinical testing. Allele origin: germline. Affected: yes.
Comment: Not observed at significant frequency in large population cohorts (gnomAD); In silico analysis supports that this missense variant has a deleterious effect on protein structure/function; Has not been previously published as pathogenic or benign to our knowledge